The following is an entry in ClinVar:

ClinVar aggregate classification (germline): Uncertain significance. Review status: criteria provided, multiple submitters, no conflicts (2 of 4 stars). 2 submissions from 2 submitters: Uncertain significance (2). Last evaluated 2025-05-12.

gnomAD v4.1: 5 of 1,614,090 alleles (0.00031%); highest among the groups gnomAD compares: Middle Eastern, 0.033%; no homozygotes.

Submissions (2):

Labcorp Genetics (formerly Invitae), Labcorp
Classification: Uncertain significance. Last evaluated: 2025-05-12. Review status: criteria provided, single submitter. Criteria: Invitae Variant Classification Sherloc (09022015). Collection method: clinical testing. Allele origin: germline.
Comment: This sequence change replaces isoleucine, which is neutral and non-polar, with asparagine, which is neutral and polar, at codon 1207 of the CENPJ protein (p.Ile1207Asn). This variant is not present in population databases (gnomAD no frequency). This variant has not been reported in the literature in individuals affected with CENPJ-related conditions. An algorithm developed to predict the effect of missense changes on protein structure and function (PolyPhen-2) suggests that this variant is likely to be disruptive. In summary, the available evidence is currently insufficient to determine the role of this variant in disease. Therefore, it has been classified as a Variant of Uncertain Significance.

Blueprint Genetics
Classification: Uncertain significance. Last evaluated: 2022-09-09. Review status: criteria provided, single submitter. Criteria: ACMG Guidelines, 2015. Collection method: clinical testing. Allele origin: germline.

NM_018451.5(CPAP):c.3620T>A (p.Ile1207Asn)

Genes: CPAP (centrosome assembly and centriole elongation protein; minus strand), RNF17 (ring finger protein 17; plus strand). Cytogenetic location: 13q12.12.
Variant type: single nucleotide variant.
Coding change: c.3620T>A on transcript NM_018451.5 (MANE Select); coding-DNA position 3620, T replaced by A.
Protein change: p.Ile1207Asn; replaces isoleucine 1207 with asparagine.
Molecular consequence: missense variant. On other transcripts: non-coding transcript variant (2).
Genome position (GRCh38, 1-based): chr13:24,884,244, A>T on the plus strand (T>A on the coding strand, the complement: CPAP is on the minus strand). VCF-style: chr13-24884244-A-T. GRCh37 (hg19) VCF-style: chr13-25458382-A-T.
Other names: short protein forms I1207N.
Identifiers: ClinVar variation 4811002 (VCV004811002.2).